The following is an entry in ClinVar:

ClinVar aggregate classification (germline): Benign. Review status: criteria provided, multiple submitters, no conflicts (2 of 4 stars). 2 submissions from 2 submitters: Benign (2). Last evaluated 2018-01-13.

Conditions:
Caveolinopathy. Identifiers: Orphanet 207078, MedGen C5679790, MONDO:0016146.

Allele frequency attached by ClinVar (database versions not stated): gnomAD exomes 0.00026; 1000 Genomes Project 0.00100; 1000 Genomes Project 30x 0.00125; TOPMed 0.00158.
gnomAD v4.1: 273 of 230,956 alleles (0.12%); highest among the groups gnomAD compares: African/African-American, 0.57%; 2 homozygotes.

Submissions (2):

Illumina Laboratory Services, Illumina
Classification: Benign for Caveolinopathy. Last evaluated: 2018-01-13. Review status: criteria provided, single submitter. Criteria: ICSL Variant Classification Criteria 13 December 2019. Collection method: clinical testing. Allele origin: germline.
Comment: This variant was observed in the ICSL laboratory as part of a predisposition screen in an ostensibly healthy population. It had not been previously curated by ICSL or reported in the Human Gene Mutation Database (HGMD: prior to June 1st, 2018), and was therefore a candidate for classification through an automated scoring system. Utilizing variant allele frequency, disease prevalence and penetrance estimates, and inheritance mode, an automated score was calculated to assess if this variant is too frequent to cause the disease. Based on the score and internal cut-off values, a variant classified as benign is not then subjected to further curation. The score for this variant resulted in a classification of benign for this disease.

GeneDx
Classification: Benign. Last evaluated: 2015-03-03. Review status: criteria provided, single submitter. Criteria: GeneDx Variant Classification Process June 2021. Collection method: clinical testing. Allele origin: germline. Affected: yes.

NM_033337.3(CAV3):c.*340G>A

Genes: CAV3 (caveolin 3; plus strand), OXTR (oxytocin receptor; minus strand). Cytogenetic location: 3p25.3.
Variant type: single nucleotide variant.
Coding change: c.*340G>A on transcript NM_033337.3 (MANE Select); 340 bases downstream of the stop codon, G replaced by A.
Molecular consequence: 3 prime UTR variant.
Genome position (GRCh38, 1-based): chr3:8,746,207, G>A. VCF-style: chr3-8746207-G-A. GRCh37 (hg19) VCF-style: chr3-8787893-G-A.
Other names: c.*244G>A (NM_001234.5).
Identifiers: ClinVar variation 902270 (VCV000902270.6), dbSNP rs538468291, ClinGen allele CA69871146.